The following is an entry in ClinVar:

NM_001130438.3(SPTAN1):c.6690-17G>A

Gene: SPTAN1 (spectrin alpha, non-erythrocytic 1; plus strand). Cytogenetic location: 9q34.11.
Variant type: single nucleotide variant.
Coding change: c.6690-17G>A on transcript NM_001130438.3 (MANE Select); 17 bases into the intron before coding-DNA position 6690, G replaced by A.
Molecular consequence: intron variant.
Genome position (GRCh38, 1-based): chr9:128,627,908, G>A. VCF-style: chr9-128627908-G-A. GRCh37 (hg19) VCF-style: chr9-131390187-G-A.
Other names: c.6690-17G>A (NM_001363759.2); c.6675-17G>A (NM_003127.4); c.6630-17G>A (NM_001363765.2); c.6615-17G>A (NM_001195532.2).
Identifiers: ClinVar variation 207357 (VCV000207357.1), dbSNP rs1554767335, ClinGen allele CA318744.
Genomic context (GRCh38, chr9:128,627,908, plus strand): 5'-TTCTCTCTGTCCCCCCGATTGCTGCTGTTGTCCGGACACCACCTTGTCTCCCGGCTGCTT[G>A]GATCTGCTCTCCACAGGACATACCTCCTCGATGGGTTAATATTGTTTTCTTCCTTCTCTG-3'

ClinVar aggregate classification (germline): Likely pathogenic (0 of 4 stars; one submission).

Conditions:
Developmental and epileptic encephalopathy, 5 (DEE5). Identifiers: Orphanet 3451, MedGen C3150731, MONDO:0013277, OMIM 613477.

Submission:

Gene Discovery Core-Manton Center, Boston Children's Hospital
Classification: Likely pathogenic for Developmental and epileptic encephalopathy, 5. Last evaluated: 2020-02-14. Review status: no assertion criteria provided. Collection method: research. Allele origin: de novo. Affected: yes.
Comment: This variant is interpretted as Likely Pathogenic for Developmental and epileptic encephalopathy 5; autosomal dominant. PS2 - De novo (both maternity and paternity confirmed) in a patient with the disease and no family history. PM2 - Absent from controls (or at extremely low frequency if recessive) in Exome Sequencing Project, 1000 Genomes Project, or Exome Aggregation Consortium. PP5 - Reputable source recently reports variant as pathogenic, but the evidence is not available to the laboratory to perform an independent evaluation (PMID: 30548380).